The following is an entry in ClinVar:

NM_002662.5(PLD1):c.871A>G (p.Thr291Ala)

Gene: PLD1 (phospholipase D1; minus strand). Cytogenetic location: 3q26.31.
Variant type: single nucleotide variant.
Coding change: c.871A>G on transcript NM_002662.5 (MANE Select); coding-DNA position 871, A replaced by G.
Protein change: p.Thr291Ala; replaces threonine 291 with alanine.
Molecular consequence: missense variant.
Genome position (GRCh38, 1-based): chr3:171,713,933, T>C on the plus strand (A>G on the coding strand, the complement: PLD1 is on the minus strand). VCF-style: chr3-171713933-T-C. GRCh37 (hg19) VCF-style: chr3-171431723-T-C.
Other names: c.871A>G, p.Thr291Ala (NM_001130081.3); short protein forms T291A.
Identifiers: ClinVar variation 2134947 (VCV002134947.4), dbSNP rs2474010877, ClinGen allele CA355506000.
Genomic context (GRCh38, chr3:171,713,933, plus strand): 5'-TAAATATTTGAAATGTGTACCTTGAAAGATTATCAATTCGGATTCCATATTTCGTTTCTG[T>C]CTCCTTCTTCCCCACCTTAATTTTGAATTCTTTGTCTACCAGCAGGACGAAGGCAATGGC-3'
Protein context (NP_002653.1, residues 281-301): EFKIKVGKKE[Thr291Ala]ETKYGIRIDN

ClinVar aggregate classification (germline): Uncertain significance (1 of 4 stars; one submission).

Submission:

Labcorp Genetics (formerly Invitae), Labcorp
Classification: Uncertain significance. Last evaluated: 2022-05-07. Review status: criteria provided, single submitter. Criteria: Invitae Variant Classification Sherloc (09022015). Collection method: clinical testing. Allele origin: germline.
Comment: In summary, the available evidence is currently insufficient to determine the role of this variant in disease. Therefore, it has been classified as a Variant of Uncertain Significance. Algorithms developed to predict the effect of missense changes on protein structure and function are either unavailable or do not agree on the potential impact of this missense change (SIFT: "Deleterious"; PolyPhen-2: "Probably Damaging"; Align-GVGD: "Class C0"). This variant has not been reported in the literature in individuals affected with PLD1-related conditions. This variant is not present in population databases (gnomAD no frequency). This sequence change replaces threonine, which is neutral and polar, with alanine, which is neutral and non-polar, at codon 291 of the PLD1 protein (p.Thr291Ala).